The following is an entry in ClinVar:

ClinVar aggregate classification (germline): Uncertain significance (1 of 4 stars; one submission).

Conditions:
Fabry disease. Also called: Fabry's disease; ALPHA-GALACTOSIDASE A DEFICIENCY; ANDERSON-FABRY DISEASE; CERAMIDE TRIHEXOSIDASE DEFICIENCY; GLA DEFICIENCY; HEREDITARY DYSTOPIC LIPIDOSIS. Identifiers: Orphanet 324, MedGen C0002986, MONDO:0010526, OMIM 301500, HP:0001071. Disease mechanism: Fabry disease is due to inactivating mutations in the X-linked GLA gene resulting in deficiency of the enzyme Alpha Galactosidase-A., loss of function.

Submission:

Genomenon, Inc
Classification: Uncertain significance for Fabry disease. Last evaluated: 2026-09-08. Review status: criteria provided, single submitter. Criteria: Genomenon Sequence Variant Interpretation Standards - Updated. Collection method: curation. Allele origin: germline. Affected: no.
Comment: GLA p.Asp165Glu (c.495T>G) is a missense variant that changes the amino acid at codon 165 from Aspartic acid to Glutamic acid. This variant has been reported in the published literature (PMID:32023956). This variant is located in a mutational hotspot and/or important functional domain. It is absent or not present at a significant frequency in gnomAD. In silico models predict that this variant is possibly or probably damaging. In conclusion, we classify GLA p.Asp165Glu (c.495T>G) as a variant of uncertain significance.

Literature cited by the submitters: PubMed 32023956.

NM_000169.3(GLA):c.495T>G (p.Asp165Glu)

Genes: GLA (galactosidase alpha; minus strand), RPL36A-HNRNPH2 (RPL36A-HNRNPH2 readthrough; plus strand). Cytogenetic location: Xq22.1.
Variant type: single nucleotide variant.
Coding change: c.495T>G on transcript NM_000169.3 (MANE Select); coding-DNA position 495, T replaced by G.
Protein change: p.Asp165Glu; replaces aspartic acid 165 with glutamic acid.
Molecular consequence: missense variant. On other transcripts: non-coding transcript variant (3), intron variant (2).
Genome position (GRCh38, 1-based): chrX:101,401,684, A>C on the plus strand (T>G on the coding strand, the complement: GLA is on the minus strand). VCF-style: chrX-101401684-A-C. GRCh37 (hg19) VCF-style: chrX-100656672-A-C.
Other names: c.618T>G, p.Asp206Glu (NM_001406747.1, NM_001406749.1); c.495T>G, p.Asp165Glu (NM_001406748.1); c.300+6227A>C (NM_001199973.2); c.177+9862A>C (NM_001199974.2); short protein forms D165E, D206E.
Identifiers: ClinVar variation 4974891 (VCV004974891.1).
Genomic context (GRCh38, chrX:101,401,684, plus strand): 5'-AACATTACCATCTGCCAAATTTTCCAAACTGTCACAGTAACAACCATCAAATTTTAGCAG[A>C]TCTACTCCCCAGTCAGCAAAGGTCTGGGCATCAATGTCGTAGTATCCAAAACTCCCAGGG-3'
Protein context (NP_000160.1, residues 155-175): DAQTFADWGV[Asp165Glu]LLKFDGCYCD